The following is an entry in ClinVar:

NM_005751.5(AKAP9):c.1337T>G (p.Val446Gly)

Gene: AKAP9 (A-kinase anchoring protein 9; plus strand). Cytogenetic location: 7q21.2.
Variant type: single nucleotide variant.
Coding change: c.1337T>G on transcript NM_005751.5 (MANE Select); coding-DNA position 1337, T replaced by G.
Protein change: p.Val446Gly; replaces valine 446 with glycine.
Molecular consequence: missense variant.
Genome position (GRCh38, 1-based): chr7:92,001,254, T>G. VCF-style: chr7-92001254-T-G. GRCh37 (hg19) VCF-style: chr7-91630568-T-G.
Other names: c.1337T>G, p.Val446Gly (NM_147185.3); short protein forms V446G.
Identifiers: ClinVar variation 2564481 (VCV002564481.2), dbSNP rs2484689667, ClinGen allele CA368121551.

ClinVar aggregate classification (germline): Uncertain significance (1 of 4 stars; one submission).

Conditions:
Cardiovascular phenotype. Identifiers: MedGen CN230736.

Submission:

Ambry Genetics
Classification: Uncertain significance for Cardiovascular phenotype. Last evaluated: 2023-05-06. Review status: criteria provided, single submitter. Criteria: Ambry Variant Classification Scheme 2023. Collection method: clinical testing. Allele origin: germline.
Comment: The p.V446G variant (also known as c.1337T>G), located in coding exon 8 of the AKAP9 gene, results from a T to G substitution at nucleotide position 1337. The valine at codon 446 is replaced by glycine, an amino acid with dissimilar properties. This amino acid position is conserved. In addition, this alteration is predicted to be tolerated by in silico analysis. Since supporting evidence is limited at this time, the clinical significance of this alteration remains unclear.